The following is an entry in ClinVar:

NM_000748.3(CHRNB2):c.1061A>C (p.His354Pro)

Gene: CHRNB2 (cholinergic receptor nicotinic beta 2 subunit; plus strand). Cytogenetic location: 1q21.3.
Variant type: single nucleotide variant.
Coding change: c.1061A>C on transcript NM_000748.3 (MANE Select); coding-DNA position 1061, A replaced by C.
Protein change: p.His354Pro; replaces histidine 354 with proline.
Molecular consequence: missense variant.
Genome position (GRCh38, 1-based): chr1:154,571,884, A>C. VCF-style: chr1-154571884-A-C. GRCh37 (hg19) VCF-style: chr1-154544360-A-C.
Other names: short protein forms H354P.
Identifiers: ClinVar variation 1041102 (VCV001041102.8), dbSNP rs201793956, ClinGen allele CA1130821.

ClinVar aggregate classification (germline): Uncertain significance (1 of 4 stars; one submission).

Conditions:
Familial sleep-related hypermotor epilepsy. Also called: Autosomal Dominant Sleep-Related Hypermotor (Hyperkinetic) Epilepsy. Identifiers: Orphanet 98784, MedGen C3696898, MONDO:0000030.

Allele frequency attached by ClinVar (database versions not stated): TOPMed below 0.00001; gnomAD exomes 0.00003; ExAC 0.00007; ESP Exome Variant Server 0.00008.
gnomAD v4.1: 60 of 1,596,250 alleles (0.0038%); highest among the groups gnomAD compares: South Asian, 0.011%; no homozygotes.

Submission:

Labcorp Genetics (formerly Invitae), Labcorp
Classification: Uncertain significance. Last evaluated: 2023-10-12. Review status: criteria provided, single submitter. Criteria: Invitae Variant Classification Sherloc (09022015). Collection method: clinical testing. Allele origin: germline.
Comment: This sequence change replaces histidine, which is basic and polar, with proline, which is neutral and non-polar, at codon 354 of the CHRNB2 protein (p.His354Pro). This variant is present in population databases (rs201793956, gnomAD 0.02%). This variant has not been reported in the literature in individuals affected with CHRNB2-related conditions. ClinVar contains an entry for this variant (Variation ID: 1041102). Advanced modeling of protein sequence and biophysical properties (such as structural, functional, and spatial information, amino acid conservation, physicochemical variation, residue mobility, and thermodynamic stability) performed at Invitae indicates that this missense variant is not expected to disrupt CHRNB2 protein function. In summary, the available evidence is currently insufficient to determine the role of this variant in disease. Therefore, it has been classified as a Variant of Uncertain Significance.